The following is an entry in ClinVar:

NM_015559.3(SETBP1):c.4437C>G (p.Ile1479Met)

Gene: SETBP1 (SET binding protein 1; plus strand). Cytogenetic location: 18q12.3.
Variant type: single nucleotide variant.
Coding change: c.4437C>G on transcript NM_015559.3 (MANE Select); coding-DNA position 4437, C replaced by G.
Protein change: p.Ile1479Met; replaces isoleucine 1479 with methionine.
Molecular consequence: missense variant.
Genome position (GRCh38, 1-based): chr18:45,063,344, C>G. VCF-style: chr18-45063344-C-G. GRCh37 (hg19) VCF-style: chr18-42643309-C-G.
Other names: c.4437C>G, p.Ile1479Met (NM_001379141.1, NM_001379142.1); c.4266C>G, p.Ile1422Met (NM_001410862.1); short protein forms I1479M, I1422M.
Identifiers: ClinVar variation 2919310 (VCV002919310.3), dbSNP rs2145593711, ClinGen allele CA402483410.

ClinVar aggregate classification (germline): Uncertain significance (1 of 4 stars; one submission).

Submission:

Labcorp Genetics (formerly Invitae), Labcorp
Classification: Uncertain significance. Last evaluated: 2023-10-08. Review status: criteria provided, single submitter. Criteria: Invitae Variant Classification Sherloc (09022015). Collection method: clinical testing. Allele origin: germline.
Comment: This sequence change replaces isoleucine, which is neutral and non-polar, with methionine, which is neutral and non-polar, at codon 1479 of the SETBP1 protein (p.Ile1479Met). This variant is not present in population databases (gnomAD no frequency). This variant has not been reported in the literature in individuals affected with SETBP1-related conditions. An algorithm developed to predict the effect of missense changes on protein structure and function (PolyPhen-2) suggests that this variant is likely to be disruptive. In summary, the available evidence is currently insufficient to determine the role of this variant in disease. Therefore, it has been classified as a Variant of Uncertain Significance.